The following is an entry in ClinVar:

ClinVar aggregate classification (germline): Conflicting classifications of pathogenicity. Review status: criteria provided, conflicting classifications (1 of 4 stars). 5 submissions from 5 submitters: Uncertain significance (2); Benign (1); Likely benign (1). 1 of the submissions does not count toward it. Last evaluated 2024-04-15.

Conditions:
ESRRB-related disorder. Also called: ESRRB-related condition.
Autosomal recessive nonsyndromic hearing loss 35. Identifiers: Orphanet 90636, MedGen C1837857, MONDO:0012060, OMIM 608565.

Allele frequency attached by ClinVar (database versions not stated): ExAC 0.00069; 1000 Genomes Project 30x 0.00078; 1000 Genomes Project 0.00080; TOPMed 0.00089; gnomAD exomes 0.00021 and 0.00065; gnomAD 0.00064.

Submissions (5):

Labcorp Genetics (formerly Invitae), Labcorp
Classification: Benign. Last evaluated: 2024-04-15. Review status: criteria provided, single submitter. Criteria: Invitae Variant Classification Sherloc (09022015). Collection method: clinical testing. Allele origin: germline.

Blueprint Genetics
Classification: Uncertain significance. Last evaluated: 2023-11-29. Review status: criteria provided, single submitter. Criteria: ACMG Guidelines, 2015. Collection method: clinical testing. Allele origin: germline.

Laboratory for Molecular Medicine, Mass General Brigham Personalized Medicine
Classification: Likely benign. Last evaluated: 2017-04-26. Review status: criteria provided, single submitter. Criteria: ACMG Guidelines, 2015. Collection method: clinical testing. Allele origin: germline.
Comment: Disclaimer: This variant has not undergone full assessment. The following are preliminary notes: Reported in compound het state in 2 Asian probands with nonsyndromic hearing loss. However, this variant is present in 0.9% of E. Asian chromosomes in gnomAD.

Soonchunhyang University Bucheon Hospital, Soonchunhyang University Medical Center
Classification: Uncertain significance for Autosomal recessive nonsyndromic hearing loss 35. Last evaluated: 2016-03-18. Review status: criteria provided, single submitter. Criteria: ACMG Guidelines, 2015. Collection method: reference population. Allele origin: germline. Observed: 5 variant alleles.

PreventionGenetics, part of Exact Sciences
Classification: Benign for ESRRB-related condition. Last evaluated: 2024-09-26. Review status: no assertion criteria provided. Collection method: clinical testing. Allele origin: germline. Not counted in ClinVar's aggregate classification.
Comment: This variant is classified as benign based on ACMG/AMP sequence variant interpretation guidelines (Richards et al. 2015 PMID: 25741868, with internal and published modifications).

Literature cited by the submitters: PubMed 23767834 (cited by Soonchunhyang University Bucheon Hospital, Soonchunhyang University Medical Center).

NM_001379180.1(ESRRB):c.1207C>T (p.Arg403Cys)

Gene: ESRRB (estrogen related receptor beta; plus strand). Cytogenetic location: 14q24.3.
Variant type: single nucleotide variant.
Coding change: c.1207C>T on transcript NM_001379180.1 (MANE Select); coding-DNA position 1207, C replaced by T.
Protein change: p.Arg403Cys; replaces arginine 403 with cysteine.
Molecular consequence: missense variant.
Genome position (GRCh38, 1-based): chr14:76,498,300, C>T. VCF-style: chr14-76498300-C-T. GRCh37 (hg19) VCF-style: chr14-76964643-C-T.
Other names: c.1144C>T, p.Arg382Cys (NM_004452.4); short protein forms R382C, R403C.
Identifiers: ClinVar variation 225349 (VCV000225349.14), dbSNP rs373131497, ClinGen allele CA7281795.
Genomic context (GRCh38, chr14:76,498,300, plus strand): 5'-GCTGTCCAGAAGCTGCAGGACCTGCTGCACGAGGCACTGCAGGACTACGAGCTGAGCCAG[C>T]GCCATGAGGAGCCCTGGAGGACGGGCAAGCTGCTGCTGACACTGCCGCTGCTGCGGCAGA-3'
Protein context (NP_001366109.1, residues 393-413): EALQDYELSQ[Arg403Cys]HEEPWRTGKL